The following is an entry in ClinVar:

ClinVar aggregate classification (germline): Uncertain significance. Review status: criteria provided, multiple submitters, no conflicts (2 of 4 stars). 2 submissions from 2 submitters: Uncertain significance (2). Last evaluated 2024-05-13.

Conditions:
Joubert syndrome. Also called: JOUBERT-BOLTSHAUSER SYNDROME; Familial aplasia of the vermis. Identifiers: Orphanet 475, MedGen C5979921, MONDO:0018772.
Meckel-Gruber syndrome. Also called: DYSENCEPHALIA SPLANCHNOCYSTICA; GRUBER SYNDROME; Dysencephalia splachnocystica. Identifiers: Orphanet 564, MedGen C0265215, MONDO:0018921.
COACH syndrome 2. Identifiers: MedGen C5436837, MONDO:0030859, OMIM 619111.
Meckel syndrome, type 6. Identifiers: Orphanet 564, MedGen C2676790, MONDO:0012848, OMIM 612284.
Joubert syndrome 9 (JBTS9). Identifiers: Orphanet 2318, MedGen C2676788, MONDO:0012849, OMIM 612285.
Retinitis pigmentosa 93. Identifiers: MedGen C5676970, MONDO:0030797, OMIM 619845.

Allele frequency attached by ClinVar (database versions not stated): gnomAD exomes below 0.00001; TOPMed below 0.00001; gnomAD 0.00001.
gnomAD v4.1: 3 of 1,613,700 alleles (0.00019%); highest among the groups gnomAD compares: African/African-American, 0.0027%; no homozygotes.

Submissions (2):

Fulgent Genetics
Classification: Uncertain significance for Meckel syndrome, type 6; Joubert syndrome 9; COACH syndrome 2; Retinitis pigmentosa 93. Last evaluated: 2024-05-13. Review status: criteria provided, single submitter. Criteria: ACMG Guidelines, 2015. Collection method: clinical testing. Allele origin: germline.

Labcorp Genetics (formerly Invitae), Labcorp
Classification: Uncertain significance for Joubert syndrome; Meckel-Gruber syndrome. Last evaluated: 2022-03-12. Review status: criteria provided, single submitter. Criteria: Invitae Variant Classification Sherloc (09022015). Collection method: clinical testing. Allele origin: germline.
Comment: This sequence change replaces leucine, which is neutral and non-polar, with phenylalanine, which is neutral and non-polar, at codon 457 of the CC2D2A protein (p.Leu457Phe). This variant is not present in population databases (gnomAD no frequency). This variant has not been reported in the literature in individuals affected with CC2D2A-related conditions. Advanced modeling of protein sequence and biophysical properties (such as structural, functional, and spatial information, amino acid conservation, physicochemical variation, residue mobility, and thermodynamic stability) performed at Invitae indicates that this missense variant is expected to disrupt CC2D2A protein function. In summary, the available evidence is currently insufficient to determine the role of this variant in disease. Therefore, it has been classified as a Variant of Uncertain Significance.

NM_001378615.1(CC2D2A):c.1371A>C (p.Leu457Phe)

Genes: CC2D2A (coiled-coil and C2 domain containing 2A; plus strand), FBXL5 (F-box and leucine rich repeat protein 5; minus strand). Cytogenetic location: 4p15.32.
Variant type: single nucleotide variant.
Coding change: c.1371A>C on transcript NM_001378615.1 (MANE Select); coding-DNA position 1371, A replaced by C.
Protein change: p.Leu457Phe; replaces leucine 457 with phenylalanine.
Molecular consequence: missense variant.
Genome position (GRCh38, 1-based): chr4:15,528,631, A>C. VCF-style: chr4-15528631-A-C. GRCh37 (hg19) VCF-style: chr4-15530254-A-C.
Other names: c.1371A>C, p.Leu457Phe (NM_001080522.2); c.1224A>C, p.Leu408Phe (NM_001378617.1); short protein forms L457F, L408F.
Identifiers: ClinVar variation 2193707 (VCV002193707.2), dbSNP rs989319751, ClinGen allele CA92525309.